The following is an entry in ClinVar:

ClinVar aggregate classification (germline): Uncertain significance. Review status: criteria provided, multiple submitters, no conflicts (2 of 4 stars). 5 submissions from 4 submitters: Uncertain significance (5). Last evaluated 2026-03-11.

Conditions:
MYH9-related disorder. Identifiers: MedGen C1854520.
Macrothrombocytopenia and granulocyte inclusions with or without nephritis or sensorineural hearing loss (MATINS). Also called: MAY-HEGGLIN ANOMALY; MYH9-Related Disease (MYH9-RD); BLEEDING DISORDER, PLATELET-TYPE, 6; SEBASTIAN PLATELET SYNDROME; MACROTHROMBOCYTOPENIA WITH DISPERSED LEUKOCYTIC INCLUSIONS; MACROTHROMBOCYTOPENIA, NEPHRITIS, AND DEAFNESS. Identifiers: Orphanet 182050, MedGen C5200934, MONDO:0015912, OMIM 155100.
Autosomal dominant nonsyndromic hearing loss 17. Also called: Deafness, autosomal dominant 17; Autosomal dominant nonsyndromic deafness 17. Identifiers: Orphanet 90635, MedGen C1863659, MONDO:0011350, OMIM 603622.

Allele frequency attached by ClinVar (database versions not stated): gnomAD exomes below 0.00001.
gnomAD v4.1: 1 of 1,613,740 alleles (0.000062%); highest among the groups gnomAD compares: Non-Finnish European, 0.000085%; no homozygotes.

Submissions (5):

GeneDx
Classification: Uncertain significance. Last evaluated: 2026-03-11. Review status: criteria provided, single submitter. Criteria: GeneDx Variant Classification Process June 2021. Collection method: clinical testing. Allele origin: germline.
Comment: Not observed at significant frequency in large population cohorts (gnomAD); In silico analysis supports that this missense variant has a deleterious effect on protein structure/function; Has not been previously published as pathogenic or benign to our knowledge

Genomic Medicine Center of Excellence, King Faisal Specialist Hospital and Research Centre
Classification: Uncertain significance for Macrothrombocytopenia and granulocyte inclusions with or without nephritis or sensorineural hearing loss. Last evaluated: 2024-12-19. Review status: criteria provided, single submitter. Criteria: ACMG Guidelines, 2015. Collection method: clinical testing. Allele origin: germline.

Fulgent Genetics
Classification: Uncertain significance for Macrothrombocytopenia and granulocyte inclusions with or without nephritis or sensorineural hearing loss; Autosomal dominant nonsyndromic hearing loss 17. Last evaluated: 2024-03-31. Review status: criteria provided, single submitter. Criteria: ACMG Guidelines, 2015. Collection method: clinical testing. Allele origin: germline.

Illumina Laboratory Services, Illumina
Classification: Uncertain significance for Autosomal dominant nonsyndromic hearing loss 17. Last evaluated: 2018-01-13. Review status: criteria provided, single submitter. Criteria: ICSL Variant Classification Criteria 13 December 2019. Collection method: clinical testing. Allele origin: germline.

Illumina Laboratory Services, Illumina
Classification: Uncertain significance for MYH9-related disorder. Last evaluated: 2018-01-13. Review status: criteria provided, single submitter. Criteria: ICSL Variant Classification Criteria 13 December 2019. Collection method: clinical testing. Allele origin: germline.

NM_002473.6(MYH9):c.4654G>A (p.Glu1552Lys)

Gene: MYH9 (myosin heavy chain 9; minus strand). Cytogenetic location: 22q12.3.
Variant type: single nucleotide variant.
Coding change: c.4654G>A on transcript NM_002473.6 (MANE Select); coding-DNA position 4654, G replaced by A.
Protein change: p.Glu1552Lys; replaces glutamic acid 1552 with lysine.
Molecular consequence: missense variant.
Genome position (GRCh38, 1-based): chr22:36,288,843, C>T on the plus strand (G>A on the coding strand, the complement: MYH9 is on the minus strand). VCF-style: chr22-36288843-C-T. GRCh37 (hg19) VCF-style: chr22-36684889-C-T.
Other names: short protein forms E1552K.
Identifiers: ClinVar variation 341499 (VCV000341499.8), dbSNP rs886057479, ClinGen allele CA10654113.